The following is an entry in ClinVar:

ClinVar aggregate classification (germline): Benign/Likely benign. Review status: criteria provided, multiple submitters, no conflicts (2 of 4 stars). 3 submissions from 3 submitters: Benign (1); Likely benign (2). Last evaluated 2025-11-22.

Conditions:
EGFR-related lung cancer (EGFR). Identifiers: MedGen CN130014.
Lung cancer. Also called: Lung cancer, somatic; Malignant tumor of lung. Identifiers: MedGen C0242379, MONDO:0008903, OMIM 211980.
Hereditary cancer-predisposing syndrome. Also called: Hereditary Cancer Syndrome; Hereditary neoplastic syndrome; Neoplastic Syndromes, Hereditary; Tumor predisposition. Identifiers: Orphanet 140162, MedGen C0027672, MeSH D009386, MONDO:0015356.

Submissions (3):

Labcorp Genetics (formerly Invitae), Labcorp
Classification: Benign for EGFR-related lung cancer. Last evaluated: 2025-11-22. Review status: criteria provided, single submitter. Criteria: Invitae Variant Classification Sherloc (09022015). Collection method: clinical testing. Allele origin: germline.

Ambry Genetics
Classification: Likely benign for Hereditary cancer-predisposing syndrome. Last evaluated: 2024-12-20. Review status: criteria provided, single submitter. Criteria: Ambry Variant Classification Scheme 2023. Collection method: clinical testing. Allele origin: germline.

Myriad Genetics, Inc.
Classification: Likely benign for Lung cancer. Last evaluated: 2024-10-16. Review status: criteria provided, single submitter. Criteria: Myriad Autosomal Dominant, Autosomal Recessive and X-Linked Classification Criteria (2023). Collection method: clinical testing. Allele origin: unknown.
Comment: This variant is considered likely benign. This variant is intronic and is not expected to impact mRNA splicing.

NM_005228.5(EGFR):c.2062-3dup

Gene: EGFR (epidermal growth factor receptor; plus strand). Cytogenetic location: 7p11.2.
Variant type: Duplication.
Coding change: c.2062-3dup on transcript NM_005228.5 (MANE Select); 3 bases into the intron before coding-DNA position 2062, one base duplicated (C; older notation c.2062-3dupC).
Molecular consequence: intron variant.
Genome position (GRCh38, 1-based): chr7:55,173,918, C duplicated; the last of 7 consecutive C bases (chr7:55,173,912-55,173,918); duplicating any one gives the same sequence. VCF-style (leftmost placement, unchanged base first): chr7-55173911-T-TC. GRCh37 (hg19) VCF-style: chr7-55241604-T-TC.
Other names: c.1927-3dup (NM_001346899.2, NM_001346897.2); c.1261-3dup (NM_001346941.2); c.2062-3dup (NM_001346898.2); c.1903-3dup (NM_001346900.2); c.2062-3dupC (NM_005228.3).
Identifiers: ClinVar variation 1169992 (VCV001169992.11), dbSNP rs770889681, ClinGen allele CA4265971.
Genomic context (GRCh38, chr7:55,173,911, plus strand): 5'-TGTCTGGCACTGCTTTCCAGCATGGTGAGGGCTGAGGTGACCCTTGTCTCTGTGTTCTTG[T>TC]CCCCCCCAGCTTGTGGAGCCTCTTACACCCAGTGGAGAAGCTCCCAACCAAGCTCTCTTG-3'